The following is an entry in ClinVar:

NM_007078.3(LDB3):c.1714C>T (p.Pro572Ser)

Gene: LDB3 (LIM domain binding 3; plus strand). Cytogenetic location: 10q23.2.
Variant type: single nucleotide variant.
Coding change: c.1714C>T on transcript NM_007078.3 (MANE Select); coding-DNA position 1714, C replaced by T.
Protein change: p.Pro572Ser; replaces proline 572 with serine.
Molecular consequence: missense variant.
Genome position (GRCh38, 1-based): chr10:86,718,001, C>T. VCF-style: chr10-86718001-C-T. GRCh37 (hg19) VCF-style: chr10-88477758-C-T.
Other names: c.1384C>T, p.Pro462Ser (NM_001080114.2); c.1729C>T, p.Pro577Ser (NM_001171610.2); c.1525C>T, p.Pro509Ser (NM_001368064.1, NM_001368065.1); c.1573C>T, p.Pro525Ser (NM_001368066.1); short protein forms P462S, P525S, P572S, P509S, P577S.
Identifiers: ClinVar variation 2030978 (VCV002030978.4), dbSNP rs761579295, ClinGen allele CA377451918.
Genomic context (GRCh38, chr10:86,718,001, plus strand): 5'-GGTGCCATTCTGTGCTTCCCCAGGGGCCCATTTCTGGTAGCCATGGGCCGTTCTTGGCAC[C>T]CTGAAGAGTTCACCTGTGCCTACTGCAAGACTTCCCTGGCAGATGTGTGCTTTGTGGAAG-3'
Protein context (NP_009009.1, residues 562-582): FLVAMGRSWH[Pro572Ser]EEFTCAYCKT

ClinVar aggregate classification (germline): Uncertain significance (1 of 4 stars; one submission).

Conditions:
Myofibrillar myopathy 4. Also called: Zaspopathy (type). Identifiers: Orphanet 98912, MedGen C4721886, MONDO:0012277, OMIM 609452.

gnomAD v4.1: 1 of 1,614,120 alleles (0.000062%); no homozygotes.

Submission:

Labcorp Genetics (formerly Invitae), Labcorp
Classification: Uncertain significance for Myofibrillar myopathy 4. Last evaluated: 2022-10-14. Review status: criteria provided, single submitter. Criteria: Invitae Variant Classification Sherloc (09022015). Collection method: clinical testing. Allele origin: germline.
Comment: This variant has not been reported in the literature in individuals affected with LDB3-related conditions. In summary, the available evidence is currently insufficient to determine the role of this variant in disease. Therefore, it has been classified as a Variant of Uncertain Significance. Experimental studies and prediction algorithms are not available or were not evaluated, and the functional significance of this variant is currently unknown. This variant is not present in population databases (gnomAD no frequency). This sequence change replaces proline, which is neutral and non-polar, with serine, which is neutral and polar, at codon 572 of the LDB3 protein (p.Pro572Ser). The LDB3 gene has multiple clinically relevant transcripts. This variant occurs in alternate transcript NM_007078.3, and corresponds to NM_001080116.1:c.*18627C>T in the primary transcript.